The following is an entry in ClinVar:

ClinVar aggregate classification (germline): Uncertain significance (1 of 4 stars; one submission).

Allele frequency attached by ClinVar (database versions not stated): TOPMed 0.00003; 1000 Genomes Project 30x 0.00016; 1000 Genomes Project 0.00020.
gnomAD v4.1: 14 of 1,614,170 alleles (0.00087%); highest among the groups gnomAD compares: East Asian, 0.0089%; no homozygotes.

Submission:

Labcorp Genetics (formerly Invitae), Labcorp
Classification: Uncertain significance. Last evaluated: 2024-01-28. Review status: criteria provided, single submitter. Criteria: Invitae Variant Classification Sherloc (09022015). Collection method: clinical testing. Allele origin: germline.
Comment: This sequence change replaces aspartic acid, which is acidic and polar, with glutamic acid, which is acidic and polar, at codon 1762 of the MYH3 protein (p.Asp1762Glu). The frequency data for this variant in the population databases is considered unreliable, as metrics indicate poor data quality at this position in the gnomAD database. This variant has not been reported in the literature in individuals affected with MYH3-related conditions. An algorithm developed to predict the effect of missense changes on protein structure and function (PolyPhen-2) suggests that this variant is likely to be disruptive. In summary, the available evidence is currently insufficient to determine the role of this variant in disease. Therefore, it has been classified as a Variant of Uncertain Significance.

NM_002470.4(MYH3):c.5286C>G (p.Asp1762Glu)

Gene: MYH3 (myosin heavy chain 3; minus strand). Cytogenetic location: 17p13.1.
Variant type: single nucleotide variant.
Coding change: c.5286C>G on transcript NM_002470.4 (MANE Select); coding-DNA position 5286, C replaced by G.
Protein change: p.Asp1762Glu; replaces aspartic acid 1762 with glutamic acid.
Molecular consequence: missense variant.
Genome position (GRCh38, 1-based): chr17:10,631,611, G>C on the plus strand (C>G on the coding strand, the complement: MYH3 is on the minus strand). VCF-style: chr17-10631611-G-C. GRCh37 (hg19) VCF-style: chr17-10534928-G-C.
Other names: short protein forms D1762E.
Identifiers: ClinVar variation 2722447 (VCV002722447.3), dbSNP rs552501098, ClinGen allele CA8391993.
Genomic context (GRCh38, chr17:10,631,611, plus strand): 5'-GAGGGCTTTAATGCAATGCAATCCCGGCAGCCCGAGGGCAGCAGGAAGGAGACGCCTTAC[G>C]TCCGTGATGGCCTTCTTGGCCTTCTCCTCAGCGTTCCTTGCATCCCTGCTGGCATCTTCT-3'
Protein context (NP_002461.2, residues 1752-1772): AEEKAKKAIT[Asp1762Glu]AAMMAEELKK